The following is an entry in ClinVar:

ClinVar aggregate classification (germline): Pathogenic (1 of 4 stars; one submission).

Submission:

Labcorp Genetics (formerly Invitae), Labcorp
Classification: Pathogenic. Last evaluated: 2022-09-27. Review status: criteria provided, single submitter. Criteria: Invitae Variant Classification Sherloc (09022015). Collection method: clinical testing. Allele origin: germline.
Comment: For these reasons, this variant has been classified as Pathogenic. ClinVar contains an entry for this variant (Variation ID: 1362377). This variant has not been reported in the literature in individuals affected with PAFAH1B1-related conditions. This variant is not present in population databases (gnomAD no frequency). This sequence change creates a premature translational stop signal (p.Thr215Leufs*2) in the PAFAH1B1 gene. It is expected to result in an absent or disrupted protein product. Loss-of-function variants in PAFAH1B1 are known to be pathogenic (PMID: 1671808, 11115846, 14581661).

Literature cited by the submitters: PubMed 1671808; PubMed 11115846; PubMed 14581661.

NM_000430.4(PAFAH1B1):c.643del (p.Thr215fs)

Gene: PAFAH1B1 (platelet activating factor acetylhydrolase 1b regulatory subunit 1; plus strand). Cytogenetic location: 17p13.3.
Variant type: Deletion.
Coding change: c.643del on transcript NM_000430.4 (MANE Select); coding-DNA position 643, one base deleted (A; older notation c.643delA).
Protein change: p.Thr215fs; shifts the reading frame from threonine 215.
Molecular consequence: frameshift variant.
Genome position (GRCh38, 1-based): chr17:2,672,729, A deleted; the last of 4 consecutive A bases (chr17:2,672,726-2,672,729); deleting any one gives the same sequence. VCF-style (leftmost placement, unchanged base first): chr17-2672725-TA-T. GRCh37 (hg19) VCF-style: chr17-2576019-TA-T.
Other names: short protein forms T215fs.
Identifiers: ClinVar variation 1362377 (VCV001362377.6), dbSNP rs2151666409, ClinGen allele CA2573153011.
Genomic context (GRCh38, chr17:2,672,725, plus strand): 5'-CAATGTTTCTTCAGTAGCCATCATGCCCAATGGAGATCATATAGTGTCTGCCTCAAGGGA[TA>T]AAACTATAAAAATGTGGGAAGTGCAAACTGGGTAAGTAAGTTTAGTTGAAAAGGCATCAG-3'